The following is an entry in ClinVar:

ClinVar aggregate classification (germline): Likely benign. Review status: criteria provided, multiple submitters, no conflicts (2 of 4 stars). 3 submissions from 3 submitters: Likely benign (3). Last evaluated 2025-10-28.

Conditions:
ALG1-congenital disorder of glycosylation. Also called: CONGENITAL DISORDER OF GLYCOSYLATION, TYPE Ik; CDG Ik; ALG1-CDG. Identifiers: Orphanet 79327, MedGen C2931005, MONDO:0012052, OMIM 608540.

Allele frequency attached by ClinVar (database versions not stated): ExAC 0.00001; gnomAD exomes 0.00001; TOPMed 0.00005; gnomAD 0.00006; ESP Exome Variant Server 0.00008.
gnomAD v4.1: 15 of 1,613,448 alleles (0.00093%); highest among the groups gnomAD compares: African/African-American, 0.015%; no homozygotes.

Submissions (3):

Labcorp Genetics (formerly Invitae), Labcorp
Classification: Likely benign for ALG1-congenital disorder of glycosylation. Last evaluated: 2025-10-28. Review status: criteria provided, single submitter. Criteria: Invitae Variant Classification Sherloc (09022015). Collection method: clinical testing. Allele origin: germline.

Blueprint Genetics
Classification: Likely benign. Last evaluated: 2024-10-07. Review status: criteria provided, single submitter. Criteria: ACMG Guidelines, 2015. Collection method: clinical testing. Allele origin: germline.

GeneDx
Classification: Likely benign. Last evaluated: 2016-05-09. Review status: criteria provided, single submitter. Criteria: GeneDx Variant Classification (06012015). Collection method: clinical testing. Allele origin: germline. Affected: yes.
Comment: This variant is considered likely benign or benign based on one or more of the following criteria: it is a conservative change, it occurs at a poorly conserved position in the protein, it is predicted to be benign by multiple in silico algorithms, and/or has population frequency not consistent with disease.

NM_019109.5(ALG1):c.286+15A>C

Gene: ALG1 (ALG1 chitobiosyldiphosphodolichol beta-mannosyltransferase; plus strand). Cytogenetic location: 16p13.3.
Variant type: single nucleotide variant.
Coding change: c.286+15A>C on transcript NM_019109.5 (MANE Select); 15 bases into the intron after coding-DNA position 286, A replaced by C.
Molecular consequence: intron variant.
Genome position (GRCh38, 1-based): chr16:5,073,043, A>C. VCF-style: chr16-5073043-A-C. GRCh37 (hg19) VCF-style: chr16-5123044-A-C.
Other names: c.-48+15A>C (NM_001330504.2).
Identifiers: ClinVar variation 385584 (VCV000385584.9), dbSNP rs376062732, ClinGen allele CA7889755.